The following is an entry in ClinVar:

ClinVar aggregate classification (germline): Conflicting classifications of pathogenicity. Review status: criteria provided, conflicting classifications (1 of 4 stars). 5 submissions from 5 submitters: Likely pathogenic (4); Uncertain significance (1). Last evaluated 2025-07-03.

Conditions:
Bardet-Biedl syndrome 14 (BBS14). Identifiers: Orphanet 110, MedGen C2673874, MONDO:0014442, OMIM 615991.
Joubert syndrome 6 (JBTS6). Identifiers: Orphanet 475, MedGen C1853153, MONDO:0012539, OMIM 610688.
Nephronophthisis 11 (NPHP11). Identifiers: Orphanet 84081, MedGen C3150796, MONDO:0013302, OMIM 613550.
COACH syndrome 1. Identifiers: Orphanet 1454, MedGen C5435651, MONDO:0800103, OMIM 216360, MONDO:0008996.
Meckel syndrome, type 3 (MKS3). Also called: MECKEL-GRUBER SYNDROME, TYPE 3. Identifiers: Orphanet 564, MedGen C1846357, MONDO:0011821, OMIM 607361.
RHYNS syndrome. Also called: RETINITIS PIGMENTOSA SYNDROME; RETINITIS PIGMENTOSA, HYPOPITUITARISM, NEPHRONOPHTHISIS, AND MILD SKELETAL DYSPLASIA. Identifiers: Orphanet 140976, MedGen C1865794, MONDO:0011202, OMIM 602152.
Meckel-Gruber syndrome. Also called: DYSENCEPHALIA SPLANCHNOCYSTICA; GRUBER SYNDROME; Dysencephalia splachnocystica. Identifiers: Orphanet 564, MedGen C0265215, MONDO:0018921.
Joubert syndrome. Also called: CEREBELLOPARENCHYMAL DISORDER IV; JOUBERT-BOLTSHAUSER SYNDROME; Familial aplasia of the vermis. Identifiers: Orphanet 475, MedGen C5979921, MONDO:0018772.

Allele frequency attached by ClinVar (database versions not stated): gnomAD exomes below 0.00001; ExAC 0.00001.
gnomAD v4.1: 5 of 1,608,600 alleles (0.00031%); highest among the groups gnomAD compares: South Asian, 0.0044%; no homozygotes.

Submissions (5):

Women's Health and Genetics/Laboratory Corporation of America, LabCorp
Classification: Uncertain significance. Last evaluated: 2025-07-03. Review status: criteria provided, single submitter. Criteria: LabCorp Variant Classification Summary - May 2015. Collection method: clinical testing. Allele origin: germline.
Comment: Variant summary: TMEM67 c.1038G>T (p.Trp346Cys) results in a non-conservative amino acid change in the encoded protein sequence. Algorithms developed to predict the effect of missense changes on protein structure and function all suggest that this variant is likely to be disruptive. The variant allele was found at a frequency of 4e-06 in 249934 control chromosomes. The available data on variant occurrences in the general population are insufficient to allow any conclusion about variant significance. c.1038G>T has been reported in the literature in the compound heterozygous state with a pathogenic variant in an individual affected with clinical features of Autosomal Recessive Joubert Syndrome And Related Disorders (Stals_2018). These data do not allow any conclusion about variant significance. To our knowledge, no experimental evidence demonstrating an impact on protein function has been reported. The following publication has been ascertained in the context of this evaluation (PMID: 29096039). ClinVar contains an entry for this variant (Variation ID: 1698069). Based on the evidence outlined above, the variant was classified as uncertain significance.

Fulgent Genetics
Classification: Likely pathogenic for COACH syndrome 1; RHYNS syndrome; Meckel syndrome, type 3; Joubert syndrome 6; Nephronophthisis 11; Bardet-Biedl syndrome 14. Last evaluated: 2024-06-11. Review status: criteria provided, single submitter. Criteria: ACMG Guidelines, 2015. Collection method: clinical testing. Allele origin: germline.

Neuberg Centre For Genomic Medicine, NCGM
Classification: Likely pathogenic for Meckel syndrome, type 3. Last evaluated: 2024-02-01. Review status: criteria provided, single submitter. Criteria: ACMG Guidelines, 2015. Collection method: clinical testing. Allele origin: germline. Inheritance: Autosomal recessive inheritance. Affected: yes.
Comment: The above variant has been reported previously in compound heterozygous state in individual(s) affected with TMEM67-related disorder (Stals KL, et al., 2018). However, additional functional evidence and studies on multiple affected individuals will be required to prove the pathogenicity of this variant conclusively. For these reasons, this variant has been classified as Likely Pathogenic

Labcorp Genetics (formerly Invitae), Labcorp
Classification: Likely pathogenic for Joubert syndrome; Meckel-Gruber syndrome. Last evaluated: 2023-10-23. Review status: criteria provided, single submitter. Criteria: Invitae Variant Classification Sherloc (09022015). Collection method: clinical testing. Allele origin: germline.
Comment: This sequence change replaces tryptophan, which is neutral and slightly polar, with cysteine, which is neutral and slightly polar, at codon 346 of the TMEM67 protein (p.Trp346Cys). This variant is present in population databases (rs754370463, gnomAD no frequency). This missense change has been observed in individual(s) with clinical features of Meckel-Gruber syndrome (PMID: 29096039). In at least one individual the data is consistent with being in trans (on the opposite chromosome) from a pathogenic variant. ClinVar contains an entry for this variant (Variation ID: 1698069). Advanced modeling of protein sequence and biophysical properties (such as structural, functional, and spatial information, amino acid conservation, physicochemical variation, residue mobility, and thermodynamic stability) performed at Invitae indicates that this missense variant is expected to disrupt TMEM67 protein function. In summary, the currently available evidence indicates that the variant is pathogenic, but additional data are needed to prove that conclusively. Therefore, this variant has been classified as Likely Pathogenic.

GeneDx
Classification: Likely pathogenic. Last evaluated: 2022-02-03. Review status: criteria provided, single submitter. Criteria: GeneDx Variant Classification Process June 2021. Collection method: clinical testing. Allele origin: germline. Affected: yes.
Comment: In silico analysis supports that this missense variant has a deleterious effect on protein structure/function; Not observed at significant frequency in large population cohorts (gnomAD); This variant is associated with the following publications: (PMID: 29096039)

Literature cited by the submitters: PubMed 29096039 (cited by Women's Health and Genetics/Laboratory Corporation of America, LabCorp and Labcorp Genetics (formerly Invitae), Labcorp).

NM_153704.6(TMEM67):c.1038G>T (p.Trp346Cys)

Gene: TMEM67 (transmembrane protein 67; plus strand). Cytogenetic location: 8q22.1.
Variant type: single nucleotide variant.
Coding change: c.1038G>T on transcript NM_153704.6 (MANE Select); coding-DNA position 1038, G replaced by T.
Protein change: p.Trp346Cys; replaces tryptophan 346 with cysteine.
Molecular consequence: missense variant. On other transcripts: non-coding transcript variant (1).
Genome position (GRCh38, 1-based): chr8:93,781,717, G>T. VCF-style: chr8-93781717-G-T. GRCh37 (hg19) VCF-style: chr8-94793945-G-T.
Other names: c.795G>T, p.Trp265Cys (NM_001142301.1); short protein forms W265C, W346C.
Identifiers: ClinVar variation 1698069 (VCV001698069.10), dbSNP rs754370463, ClinGen allele CA4807852.